The following is an entry in ClinVar:

NM_005228.5(EGFR):c.2550T>A (p.His850Gln)

Gene: EGFR (epidermal growth factor receptor; plus strand). Cytogenetic location: 7p11.2.
Variant type: single nucleotide variant.
Coding change: c.2550T>A on transcript NM_005228.5 (MANE Select); coding-DNA position 2550, T replaced by A.
Protein change: p.His850Gln; replaces histidine 850 with glutamine.
Molecular consequence: missense variant.
Genome position (GRCh38, 1-based): chr7:55,191,799, T>A. VCF-style: chr7-55191799-T-A. GRCh37 (hg19) VCF-style: chr7-55259492-T-A.
Other names: c.2415T>A, p.His805Gln (NM_001346897.2, NM_001346899.2); c.2550T>A, p.His850Gln (NM_001346898.2); c.2391T>A, p.His797Gln (NM_001346900.2); c.1749T>A, p.His583Gln (NM_001346941.2); short protein forms H583Q, H805Q, H850Q, H797Q.
Identifiers: ClinVar variation 5035810 (VCV005035810.1).

ClinVar aggregate classification (germline): Uncertain significance (1 of 4 stars; one submission).

Conditions:
Hereditary cancer-predisposing syndrome. Also called: Hereditary Cancer Syndrome; Neoplastic Syndromes, Hereditary; Tumor predisposition; Hereditary neoplastic syndrome. Identifiers: Orphanet 140162, MedGen C0027672, MeSH D009386, MONDO:0015356.

Submission:

Ambry Genetics
Classification: Uncertain significance for Hereditary cancer-predisposing syndrome. Last evaluated: 2026-08-02. Review status: criteria provided, single submitter. Criteria: Ambry Variant Classification Scheme 2023. Collection method: clinical testing. Allele origin: germline.
Comment: The p.H850Q variant (also known as c.2550T>A), located in coding exon 21 of the EGFR gene, results from a T to A substitution at nucleotide position 2550. The histidine at codon 850 is replaced by glutamine, an amino acid with highly similar properties. This amino acid position is conserved. In addition, the in silico prediction for this alteration is inconclusive. Based on the available evidence, the clinical significance of this variant remains unclear.